The following is an entry in ClinVar:

NM_032043.3(BRIP1):c.2384A>G (p.Glu795Gly)

Gene: BRIP1 (BRCA1 interacting DNA helicase 1; minus strand). Cytogenetic location: 17q23.2.
Variant type: single nucleotide variant.
Coding change: c.2384A>G on transcript NM_032043.3 (MANE Select); coding-DNA position 2384, A replaced by G.
Protein change: p.Glu795Gly; replaces glutamic acid 795 with glycine.
Molecular consequence: missense variant.
Genome position (GRCh38, 1-based): chr17:61,716,059, T>C on the plus strand (A>G on the coding strand, the complement: BRIP1 is on the minus strand). VCF-style: chr17-61716059-T-C. GRCh37 (hg19) VCF-style: chr17-59793420-T-C.
Other names: short protein forms E795G.
Identifiers: ClinVar variation 2921668 (VCV002921668.3), dbSNP rs2544698172, ClinGen allele CA400479845.

ClinVar aggregate classification (germline): Uncertain significance (1 of 4 stars; one submission).

Conditions:
Fanconi anemia complementation group J. Also called: BRIP1-Related Fanconi Anemia. Identifiers: Orphanet 84, MedGen C1836860, MONDO:0012187, OMIM 609054.
Familial cancer of breast. Also called: hereditary breast carcinoma; BREAST CANCER, FAMILIAL; Hereditary breast cancer. Identifiers: Orphanet 227535, MedGen C0346153, MONDO:0016419, OMIM 114480. Disease mechanism: loss of function.

Submission:

Labcorp Genetics (formerly Invitae), Labcorp
Classification: Uncertain significance for Familial cancer of breast; Fanconi anemia complementation group J. Last evaluated: 2023-12-24. Review status: criteria provided, single submitter. Criteria: Invitae Variant Classification Sherloc (09022015). Collection method: clinical testing. Allele origin: germline.
Comment: This sequence change replaces glutamic acid, which is acidic and polar, with glycine, which is neutral and non-polar, at codon 795 of the BRIP1 protein (p.Glu795Gly). This variant is not present in population databases (gnomAD no frequency). This variant has not been reported in the literature in individuals affected with BRIP1-related conditions. Advanced modeling of protein sequence and biophysical properties (such as structural, functional, and spatial information, amino acid conservation, physicochemical variation, residue mobility, and thermodynamic stability) has been performed at Invitae for this missense variant, however the output from this modeling did not meet the statistical confidence thresholds required to predict the impact of this variant on BRIP1 protein function. In summary, the available evidence is currently insufficient to determine the role of this variant in disease. Therefore, it has been classified as a Variant of Uncertain Significance.